The following is an entry in ClinVar:

NM_000059.4(BRCA2):c.8631A>G (p.Glu2877=)

Gene: BRCA2 (BRCA2 DNA repair associated; plus strand). Cytogenetic location: 13q13.1.
Variant type: single nucleotide variant.
Coding change: c.8631A>G on transcript NM_000059.4 (MANE Select); coding-DNA position 8631, A replaced by G.
Protein change: p.Glu2877=; no amino-acid change (glutamic acid 2877 retained).
Molecular consequence: synonymous variant.
Genome position (GRCh38, 1-based): chr13:32,371,099, A>G. VCF-style: chr13-32371099-A-G. GRCh37 (hg19) VCF-style: chr13-32945236-A-G.
Identifiers: ClinVar variation 423092 (VCV000423092.2), dbSNP rs1064796223, ClinGen allele CA16619781.
Genomic context (GRCh38, chr13:32,371,099, plus strand): 5'-CCAACAAAAGAGACTAGAAGCCTTATTCACTAAAATTCAGGAGGAATTTGAAGAACATGA[A>G]GGTAAAATTAGTTATATGGTACACATTGTTATTTCTAATATGAGAACAAAGTCTTAGAGA-3'
Protein context (NP_000050.3, residues 2867-2887): TKIQEEFEEH[Glu2877=]ENTTKPYLPS

ClinVar aggregate classification (germline): Uncertain significance (1 of 4 stars; one submission).

Submission:

GeneDx
Classification: Uncertain significance. Last evaluated: 2017-01-17. Review status: criteria provided, single submitter. Criteria: GeneDx Variant Classification (06012015). Collection method: clinical testing. Allele origin: germline. Affected: yes.
Comment: This variant is denoted BRCA2 c.8631A>G at the DNA level. Although the variant is silent at the coding level, preserving a Glutamic Acid at codon 2877, it is predicted to damage the nearby natural splice donor site and cause abnormal splicing. However, in the absence of RNA or functional studies, the actual effect of this variant is unknown. Also defined as BRCA2 8859A>G using alternate nomenclature, this variant has not, to our knowledge, been published in the literature as pathogenic or benign. BRCA2 c.8631A>G was not observed in approximately 6,500 individuals of European and African American ancestry in the NHLBI Exome Sequencing Project, suggesting it is not a common benign variant in these populations. The nucleotide which is altered, an adenine (A) at base 8631, is not conserved. Based on currently available evidence, it is unclear whether BRCA2 c.8631A>G is a pathogenic or benign variant. We consider it to be a variant of uncertain significance.